The following is an entry in ClinVar:

NM_001458.5(FLNC):c.5427G>C (p.Thr1809=)

Genes: FLNC (filamin C; plus strand), FLNC-AS1 (FLNC antisense RNA 1; minus strand). Cytogenetic location: 7q32.1.
Variant type: single nucleotide variant.
Coding change: c.5427G>C on transcript NM_001458.5 (MANE Select); coding-DNA position 5427, G replaced by C.
Protein change: p.Thr1809=; no amino-acid change (threonine 1809 retained).
Molecular consequence: synonymous variant.
Genome position (GRCh38, 1-based): chr7:128,850,831, G>C. VCF-style: chr7-128850831-G-C. GRCh37 (hg19) VCF-style: chr7-128490885-G-C.
Other names: c.5328G>C, p.Thr1776= (NM_001127487.2).
Identifiers: ClinVar variation 585875 (VCV000585875.21), dbSNP rs774600814, ClinGen allele CA4475693.

ClinVar aggregate classification (germline): Benign/Likely benign. Review status: criteria provided, multiple submitters, no conflicts (2 of 4 stars). 5 submissions from 5 submitters: Benign (2); Likely benign (3). Last evaluated 2025-12-01.

Conditions:
Cardiovascular phenotype. Identifiers: MedGen CN230736.
Distal myopathy with posterior leg and anterior hand involvement. Also called: WILLIAMS DISTAL MYOPATHY. Identifiers: Orphanet 63273, MedGen C3279722, MONDO:0013550, OMIM 614065.
Myofibrillar myopathy 5. Also called: Filaminopathy (type); FILAMINOPATHY, AUTOSOMAL DOMINANT. Identifiers: Orphanet 171445, MedGen C1836050, MONDO:0012289, OMIM 609524.
Hypertrophic cardiomyopathy 26. Also called: Cardiomyopathy, familial hypertrophic, 26. Identifiers: Orphanet 75249, MedGen C4310749, MONDO:0014883, OMIM 617047.

Allele frequency attached by ClinVar (database versions not stated): TOPMed 0.00002.
gnomAD v4.1: 43 of 1,613,764 alleles (0.0027%); highest among the groups gnomAD compares: Middle Eastern, 0.016%; no homozygotes.

Submissions (5):

CeGaT Center for Human Genetics Tuebingen
Classification: Likely benign. Last evaluated: 2025-12-01. Review status: criteria provided, single submitter. Criteria: CeGaT Center For Human Genetics Tuebingen Variant Classification Criteria Version 2. Collection method: clinical testing. Allele origin: germline. Affected: yes. Observed: 1 variant allele.
Comment: FLNC: BP4, BP7

Labcorp Genetics (formerly Invitae), Labcorp
Classification: Likely benign for Distal myopathy with posterior leg and anterior hand involvement; Myofibrillar myopathy 5; Hypertrophic cardiomyopathy 26. Last evaluated: 2025-10-09. Review status: criteria provided, single submitter. Criteria: Invitae Variant Classification Sherloc (09022015). Collection method: clinical testing. Allele origin: germline.

Molecular Diagnostic Laboratory for Inherited Cardiovascular Disease, Montreal Heart Institute
Classification: Benign. Last evaluated: 2025-04-09. Review status: criteria provided, single submitter. Criteria: ACMG Guidelines, 2015. Collection method: clinical testing. Allele origin: germline. Affected: no.

Ambry Genetics
Classification: Likely benign for Cardiovascular phenotype. Last evaluated: 2021-12-07. Review status: criteria provided, single submitter. Criteria: Ambry Variant Classification Scheme 2023. Collection method: clinical testing. Allele origin: germline.

Athena Diagnostics
Classification: Benign. Last evaluated: 2018-07-23. Review status: criteria provided, single submitter. Criteria: Athena Diagnostics Criteria. Collection method: clinical testing. Allele origin: germline.